The following is an entry in ClinVar:

ClinVar aggregate classification (germline): Benign/Likely benign. Review status: criteria provided, multiple submitters, no conflicts (2 of 4 stars). 2 submissions from 2 submitters: Benign (1); Likely benign (1). Last evaluated 2024-12-05.

Conditions:
DNAH10-related disorder. Also called: DNAH10-related condition.

gnomAD v4.1: 363 of 1,613,956 alleles (0.022%); highest among the groups gnomAD compares: East Asian, 0.64%; 1 homozygote.

Submissions (2):

PreventionGenetics, part of Exact Sciences
Classification: Benign for DNAH10-related condition. Last evaluated: 2024-12-05. Review status: criteria provided, single submitter. Criteria: ACMG Guidelines, 2015. Collection method: clinical testing. Allele origin: germline.
Comment: This variant is classified as benign based on ACMG/AMP sequence variant interpretation guidelines (Richards et al. 2015 PMID: 25741868, with internal and published modifications).

Blueprint Genetics
Classification: Likely benign. Last evaluated: 2024-09-18. Review status: criteria provided, single submitter. Criteria: ACMG Guidelines, 2015. Collection method: clinical testing. Allele origin: germline.

NM_001372106.1(DNAH10):c.12870G>A (p.Ala4290=)

Genes: DNAH10 (dynein axonemal heavy chain 10; plus strand), DNAH10OS (dynein axonemal heavy chain 10 opposite strand; minus strand). Cytogenetic location: 12q24.31.
Variant type: single nucleotide variant.
Coding change: c.12870G>A on transcript NM_001372106.1 (MANE Select); coding-DNA position 12870, G replaced by A.
Protein change: p.Ala4290=; no amino-acid change (alanine 4290 retained).
Molecular consequence: synonymous variant.
Genome position (GRCh38, 1-based): chr12:123,931,426, G>A. VCF-style: chr12-123931426-G-A. GRCh37 (hg19) VCF-style: chr12-124415973-G-A.
Other names: c.12516G>A, p.Ala4172= (NM_207437.3).
Identifiers: ClinVar variation 4919167 (VCV004919167.2).
Genomic context (GRCh38, chr12:123,931,426, plus strand): 5'-CAACACGCCAGAAGTGTTTGGTCTCCACCCCAACGCTGAGATTGGCTATTACACGCAGGC[G>A]GCTCGAGACATGTGGGCTCACCTGCTGGAGCTGCAGCCTCAGACAGGTAAACTCTACTCA-3'
Protein context (NP_001359035.1, residues 4280-4300): PNAEIGYYTQ[Ala4290=]ARDMWAHLLE